The following is an entry in ClinVar:

NM_001323289.2(CDKL5):c.590T>G (p.Val197Gly)

Gene: CDKL5 (cyclin dependent kinase like 5; plus strand). Cytogenetic location: Xp22.13.
Variant type: single nucleotide variant.
Coding change: c.590T>G on transcript NM_001323289.2 (MANE Select); coding-DNA position 590, T replaced by G.
Protein change: p.Val197Gly; replaces valine 197 with glycine.
Molecular consequence: missense variant.
Genome position (GRCh38, 1-based): chrX:18,587,989, T>G. VCF-style: chrX-18587989-T-G. GRCh37 (hg19) VCF-style: chrX-18606109-T-G.
Other names: c.590T>G, p.Val197Gly (NM_001037343.2, NM_003159.3); short protein forms V197G.
Identifiers: ClinVar variation 383975 (VCV000383975.2), dbSNP rs1057521806, ClinGen allele CA16608793.
Genomic context (GRCh38, chrX:18,587,989, plus strand): 5'-AATAATCTCTTCCTTTATTTTTCAGCGCTCCCTATGGAAAGTCCGTGGACATGTGGTCGG[T>G]GGGCTGTATTCTTGGGGAGCTTAGCGATGGACAGCCTTTATTTCCTGGAGAAAGTGAAAT-3'
Protein context (NP_001310218.1, residues 187-207): PYGKSVDMWS[Val197Gly]GCILGELSDG

ClinVar aggregate classification (germline): Likely pathogenic (1 of 4 stars; one submission).

Submission:

GeneDx
Classification: Likely pathogenic. Last evaluated: 2016-03-02. Review status: criteria provided, single submitter. Criteria: GeneDx Variant Classification (06012015). Collection method: clinical testing. Allele origin: germline. Affected: yes.
Comment: A novel V197G variant that is likely pathogenic has been identified in the CDKL5 gene. The V197G variant has not been published as a pathogenic variant, nor has it been reported as a benign variant to our knowledge. It was not observed in approximately 6,500 individuals of European and African American ancestry in the NHLBI Exome Sequencing Project, indicating it is not a common benign variant in these populations. The V197G variant is a conservative amino acid substitution, which is not likely to impact secondary protein structure as these residues share similar properties. However, this substitution occurs at a position that is conserved across species, and in silico analysis predicts this variant is probably damaging to the protein structure/function. Additionally, multiple missense variants in nearby residues have been reported in the Human Gene Mutation Database in association with CDKL5-related disorders (Stenson et al., 2014), supporting the functional importance of this region of the protein. Therefore, this variant is likely pathogenic; however, the possibility that it is benign cannot be excluded.